The following is an entry in ClinVar:

ClinVar aggregate classification (germline): Likely benign (1 of 4 stars; one submission).

Conditions:
COL11A1-related disorder. Also called: COL11A1-related disorders; COL11A1-related condition.

Submission:

PreventionGenetics, part of Exact Sciences
Classification: Likely benign for COL11A1-related condition. Last evaluated: 2024-11-19. Review status: criteria provided, single submitter. Criteria: ACMG Guidelines, 2015. Collection method: clinical testing. Allele origin: germline.
Comment: This variant is classified as likely benign based on ACMG/AMP sequence variant interpretation guidelines (Richards et al. 2015 PMID: 25741868, with internal and published modifications).

NM_001854.4(COL11A1):c.652-3C>A

Gene: COL11A1 (collagen type XI alpha 1 chain; minus strand). Cytogenetic location: 1p21.1.
Variant type: single nucleotide variant.
Coding change: c.652-3C>A on transcript NM_001854.4 (MANE Select); 3 bases into the intron before coding-DNA position 652, C replaced by A.
Molecular consequence: intron variant.
Genome position (GRCh38, 1-based): chr1:103,031,247, G>T on the plus strand (C>A on the coding strand, the complement: COL11A1 is on the minus strand). VCF-style: chr1-103031247-G-T. GRCh37 (hg19) VCF-style: chr1-103496803-G-T.
Other names: c.652-3C>A (NM_001190709.2, NM_080629.3, NM_080630.4).
Identifiers: ClinVar variation 5001348 (VCV005001348.1).
Genomic context (GRCh38, chr1:103,031,247, plus strand): 5'-CACAGTAGTCATATGCTGCCTTGGGATCACCTGTGATCAAAAACTGCTGAATGTCCCCCT[G>T]GGAAAAAAAAAAAAACAAAAACAAACAGACACAGATTCAGTTAGCATATTAAAGTACACA-3'